The following is an entry in ClinVar:

NM_006517.5(SLC16A2):c.-100C>T

Gene: SLC16A2 (solute carrier family 16 member 2; plus strand). Cytogenetic location: Xq13.2.
Variant type: single nucleotide variant.
Coding change: c.-100C>T on transcript NM_006517.5 (MANE Select); 100 bases upstream of the start codon, C replaced by T.
Molecular consequence: 5 prime UTR variant.
Genome position (GRCh38, 1-based): chrX:74,421,538, C>T. VCF-style: chrX-74421538-C-T. GRCh37 (hg19) VCF-style: chrX-73641373-C-T.
Identifiers: ClinVar variation 506677 (VCV000506677.1), dbSNP rs1555979485, ClinGen allele CA658799805.

ClinVar aggregate classification (germline): Benign (1 of 4 stars; one submission).

Submission:

GeneDx
Classification: Benign. Last evaluated: 2017-11-02. Review status: criteria provided, single submitter. Criteria: GeneDx Variant Classification (06012015). Collection method: clinical testing. Allele origin: germline. Affected: yes.
Comment: This variant is considered likely benign or benign based on one or more of the following criteria: it is a conservative change, it occurs at a poorly conserved position in the protein, it is predicted to be benign by multiple in silico algorithms, and/or has population frequency not consistent with disease.